The following is an entry in ClinVar:

NM_000053.4(ATP7B):c.2891_2894del (p.Thr964fs)

Gene: ATP7B (ATPase copper transporting beta; minus strand). Cytogenetic location: 13q14.3.
Variant type: Microsatellite.
Coding change: c.2891_2894del on transcript NM_000053.4 (MANE Select); coding-DNA positions 2891 to 2894, 4 bases deleted (CAGA; older notation c.2891_2894delCAGA).
Protein change: p.Thr964fs; shifts the reading frame from threonine 964.
Molecular consequence: frameshift variant. On other transcripts: intron variant (6).
Genome position (GRCh38, 1-based): chr13:51,946,450-51,946,453, TCTG deleted on the plus strand (CAGA on the coding strand, the reverse complement: ATP7B is on the minus strand); deleting any 4 consecutive bases within chr13:51,946,450-51,946,457 gives the same sequence; the c. name uses the placement nearest the transcript's 3' end. VCF-style (leftmost placement, unchanged base first): chr13-51946449-CTCTG-C. GRCh37 (hg19) VCF-style: chr13-52520585-CTCTG-C.
Other names: c.2639_2642del, p.Thr880fs (NM_001406531.1, NM_001406532.1, NM_001330579.2); c.2603_2606del, p.Thr868fs (NM_001406534.1); c.2561_2564del, p.Thr854fs (NM_001406536.1); c.2657_2660del, p.Thr886fs (NM_001406538.1, NM_001406527.1, NM_001406528.1 and 1 more transcripts); c.2462_2465del, p.Thr821fs (NM_001406539.1); c.2405_2408del, p.Thr802fs (NM_001406541.1, NM_001406542.1); c.2543_2546del, p.Thr848fs (NM_001406543.1); c.2309_2312del, p.Thr770fs (NM_001406544.1); and 18 more; short protein forms T534fs, T748fs, T757fs, T770fs, T802fs, T821fs, T848fs, T853fs.
Identifiers: ClinVar variation 3240816 (VCV003240816.2), dbSNP rs2547647921.

ClinVar aggregate classification (germline): Pathogenic/Likely pathogenic. Review status: criteria provided, multiple submitters, no conflicts (2 of 4 stars). 2 submissions from 2 submitters: Pathogenic (1); Likely pathogenic (1). Last evaluated 2024-01-05.

Conditions:
Wilson disease (WND). Also called: Wilson's disease. Identifiers: Orphanet 905, MedGen C0019202, MONDO:0010200, OMIM 277900. Disease mechanism: loss of function.

Submissions (2):

Baylor Genetics
Classification: Likely pathogenic for Wilson disease. Last evaluated: 2024-01-05. Review status: criteria provided, single submitter. Criteria: ACMG Guidelines, 2015. Collection method: clinical testing. Allele origin: unknown.

Juno Genomics, Hangzhou Juno Genomics, Inc
Classification: Pathogenic for Wilson disease. Review status: criteria provided, single submitter. Criteria: ACMG Guidelines, 2015. Collection method: clinical testing. Allele origin: germline. Affected: yes.
Comment: Absent from controls (or at extremely low frequency if recessive) in Genome Aggregation Database.;Null variant in a gene where loss of function (LOF) is a known mechanism of disease.;For recessive disorders, detected in trans with a pathogenic variant.;Patient's phenotype or family history is highly specific for a disease with a single genetic etiology.